The following is an entry in ClinVar:

ClinVar aggregate classification (germline): Pathogenic. Review status: criteria provided, multiple submitters, no conflicts (2 of 4 stars). 3 submissions from 3 submitters: Pathogenic (2). 1 of the submissions does not count toward it. Last evaluated 2017-10-03.

Conditions:
Developmental and epileptic encephalopathy, 7 (DEE7). Also called: KCNQ2-Related Neonatal Epileptic Encephalopathy; Early infantile epileptic encephalopathy 7; KCNQ2-Related Neonatal-Onset Developmental and Epileptic Encephalopathy (NEO-DEE). Identifiers: Orphanet 439218, MedGen C3150986, MONDO:0013387, OMIM 613720.

Submissions (9):

GeneDx
Classification: Pathogenic. Last evaluated: 2017-10-03. Review status: criteria provided, single submitter. Criteria: GeneDx Variant Classification (06012015). Collection method: clinical testing. Allele origin: germline. Affected: yes.
Comment: The G281W variant has been reported as a de novo in a patient with early infantile epileptic encephalopathy in the published literature and is reported in an additional patient in ClinVar (Landrum et al., 2015; SCV000255396.2; Pisano et al., 2015). This variant is not observed in large population cohorts (Lek et al., 2016). The G281W variant is a non-conservative amino acid substitution that alters a conserved position predicted to be within the pore forming loop between the S5 and S6 transmembrane segments. In silico analysis predicts the G281W variant is probably damaging to the protein structure/function. We interpret G281W as a pathogenic variant.

UCLA Clinical Genomics Center, UCLA
Classification: Pathogenic for Early infantile epileptic encephalopathy 7. Last evaluated: 2014-04-15. Review status: criteria provided, single submitter. Criteria: Lee et al. (JAMA. 2014). Collection method: clinical testing. Allele origin: de novo. Inheritance: Autosomal dominant inheritance. Affected: yes. Study: CES.

Channelopathy-Associated Epilepsy Research Center
No classification provided (evidence only). Condition: Complex neurodevelopmental disorder. Review status: no classification provided. Collection method: literature only. Allele origin: not applicable. Functional consequence: Severe decrease in peak current, Severe slowing of activation, Normal voltage dependence of activation. Not counted in ClinVar's aggregate classification.
ClinVar note: "not provided" was previously submitted as the classification for the variant. However, the classification appeared to be based only on an observation of functional data so it was converted to no classification on 2025-07-30.

Channelopathy-Associated Epilepsy Research Center
No classification provided (evidence only). Review status: no classification provided. Collection method: in vitro. Allele origin: not applicable. Functional consequence: Normal peak current. Not counted in ClinVar's aggregate classification.

Channelopathy-Associated Epilepsy Research Center
No classification provided (evidence only). Review status: no classification provided. Collection method: in vitro. Allele origin: not applicable. Functional consequence: Normal peak current. Not counted in ClinVar's aggregate classification.

Channelopathy-Associated Epilepsy Research Center
No classification provided (evidence only). Review status: no classification provided. Collection method: in vitro. Allele origin: not applicable. Functional consequence: Normal voltage dependence of activation. Not counted in ClinVar's aggregate classification.

Channelopathy-Associated Epilepsy Research Center
No classification provided (evidence only). Review status: no classification provided. Collection method: in vitro. Allele origin: not applicable. Functional consequence: Normal slope of activation. Not counted in ClinVar's aggregate classification.

Channelopathy-Associated Epilepsy Research Center
No classification provided (evidence only). Review status: no classification provided. Collection method: in vitro. Allele origin: not applicable. Functional consequence: Normal rate of activation. Not counted in ClinVar's aggregate classification.

GeneReviews
No classification provided. Condition: Developmental and epileptic encephalopathy, 7. Review status: no classification provided. Collection method: literature only. Allele origin: germline. Affected: yes. Not counted in ClinVar's aggregate classification.
Comment: EE (epileptic encephalopathy)

Literature cited by the submitters: PubMed 35104249 (cited by Channelopathy-Associated Epilepsy Research Center); PubMed 25880994 (cited by GeneReviews); NCBI Bookshelf NBK32534 (cited by GeneReviews).

NM_172107.4(KCNQ2):c.841G>T (p.Gly281Trp)

Gene: KCNQ2 (potassium voltage-gated channel subfamily Q member 2; minus strand). Cytogenetic location: 20q13.33.
Variant type: single nucleotide variant.
Coding change: c.841G>T on transcript NM_172107.4 (MANE Select); coding-DNA position 841, G replaced by T.
Protein change: p.Gly281Trp; replaces glycine 281 with tryptophan.
Molecular consequence: missense variant.
Genome position (GRCh38, 1-based): chr20:63,439,684, C>A on the plus strand (G>T on the coding strand, the complement: KCNQ2 is on the minus strand). VCF-style: chr20-63439684-C-A. GRCh37 (hg19) VCF-style: chr20-62071037-C-A.
Other names: c.841G>T, p.Gly281Trp (NM_004518.6, NM_172106.3, NM_172108.5 and 1 more transcripts); short protein forms G281W.
Identifiers: ClinVar variation 216949 (VCV000216949.7), dbSNP rs794727813, ClinGen allele CA209998.